The following is an entry in ClinVar:

NM_001943.5(DSG2):c.2442C>T (p.Cys814=)

Genes: DSG2 (desmoglein 2; plus strand), DSG2-AS1 (DSG2 antisense RNA 1; minus strand). Cytogenetic location: 18q12.1.
Variant type: single nucleotide variant.
Coding change: c.2442C>T on transcript NM_001943.5 (MANE Select); coding-DNA position 2442, C replaced by T.
Protein change: p.Cys814=; no amino-acid change (cysteine 814 retained).
Molecular consequence: synonymous variant. On other transcripts: non-coding transcript variant (1).
Genome position (GRCh38, 1-based): chr18:31,545,828, C>T. VCF-style: chr18-31545828-C-T. GRCh37 (hg19) VCF-style: chr18-29125791-C-T.
Identifiers: ClinVar variation 926414 (VCV000926414.10), dbSNP rs1394059699, ClinGen allele CA503766158.

ClinVar aggregate classification (germline): Conflicting classifications of pathogenicity. Review status: criteria provided, conflicting classifications (1 of 4 stars). 4 submissions from 4 submitters: Uncertain significance (1); Likely benign (3). Last evaluated 2025-08-19.

Conditions:
Cardiomyopathy (CMYO). Also called: Cardiomyopathies. Identifiers: Orphanet 167848, MedGen C0878544, MONDO:0004994, HP:0001638. Inheritance: Various modes of inheritance.
Arrhythmogenic right ventricular cardiomyopathy (ARVD). Also called: Arrhythmogenic cardiomyopathy; Cardiomyopathy, ARVC; Arrhythmogenic right ventricular dysplasia; Arrhythmogenic Right Ventricular Cardiomyopathy (ARVC). Identifiers: Orphanet 247, MedGen C0349788, MeSH D019571, MONDO:0016587. Disease mechanism: loss of function. Inheritance: Various modes of inheritance.
Arrhythmogenic right ventricular dysplasia 10. Also called: Arrhythmogenic Right Ventricular Dysplasia/Cardiomyopathy10; ARRHYTHMOGENIC RIGHT VENTRICULAR DYSPLASIA, FAMILIAL, 10; Arrhythmogenic right ventricular dysplasia/cardiomyopathy, type 10. Identifiers: MedGen C1857777, MONDO:0012434, OMIM 610193.

Allele frequency attached by ClinVar (database versions not stated): gnomAD exomes below 0.00001; gnomAD 0.00001; TOPMed 0.00001.
gnomAD v4.1: 3 of 1,614,008 alleles (0.00019%); highest among the groups gnomAD compares: Non-Finnish European, 0.00025%; no homozygotes.

Submissions (4):

Labcorp Genetics (formerly Invitae), Labcorp
Classification: Likely benign for Arrhythmogenic right ventricular dysplasia 10. Last evaluated: 2025-08-19. Review status: criteria provided, single submitter. Criteria: Invitae Variant Classification Sherloc (09022015). Collection method: clinical testing. Allele origin: germline.

All of Us Research Program, National Institutes of Health
Classification: Likely benign for Arrhythmogenic right ventricular cardiomyopathy. Last evaluated: 2024-03-24. Review status: criteria provided, single submitter. Criteria: ACMG Guidelines, 2015. Collection method: clinical testing. Allele origin: germline. Inheritance: Autosomal dominant inheritance. Observed: 2 variant alleles, 2 heterozygotes.
Comment: This study involves interpretation of variants in research participants for the purpose of population health screening. Participant phenotype was not available at the time of variant classification. Additional details can be found in publication PMID: 35346344, PMCID: PMC8962531

GeneDx
Classification: Uncertain significance. Last evaluated: 2020-02-26. Review status: criteria provided, single submitter. Criteria: GeneDx Variant Classification Process June 2021. Collection method: clinical testing. Allele origin: germline. Affected: yes.
Comment: Not observed in large population cohorts (Lek et al., 2016); In silico analysis supports that this variant does not alter splicing; Has not been previously published as pathogenic or benign to our knowledge

Color Diagnostics, LLC DBA Color Health
Classification: Likely benign for Cardiomyopathy. Last evaluated: 2019-02-01. Review status: criteria provided, single submitter. Criteria: ACMG Guidelines, 2015. Collection method: clinical testing. Allele origin: germline.